The following is an entry in ClinVar:

NM_003743.5(NCOA1):c.28G>A (p.Asp10Asn)

Gene: NCOA1 (nuclear receptor coactivator 1; plus strand). Cytogenetic location: 2p23.3.
Variant type: single nucleotide variant.
Coding change: c.28G>A on transcript NM_003743.5 (MANE Select); coding-DNA position 28, G replaced by A.
Protein change: p.Asp10Asn; replaces aspartic acid 10 with asparagine.
Molecular consequence: missense variant.
Genome position (GRCh38, 1-based): chr2:24,658,705, G>A. VCF-style: chr2-24658705-G-A. GRCh37 (hg19) VCF-style: chr2-24881574-G-A.
Other names: c.28G>A, p.Asp10Asn (NM_001362950.1, NM_001362952.1, NM_001362954.1 and 3 more transcripts); short protein forms D10N.
Identifiers: ClinVar variation 3356025 (VCV003356025.1).
Genomic context (GRCh38, chr2:24,658,705, plus strand): 5'-TGTCCTTCCTGTTTAGGTGTGAAGTTTTTCAACATGAGTGGCCTCGGGGACAGTTCATCC[G>A]ACCCTGCTAACCCAGACTCACATAAGAGGAAAGGATCGCCATGTGACACACTGGCATCAA-3'
Protein context (NP_003734.3, residues 1-20): MSGLGDSSS[Asp10Asn]PANPDSHKRK

ClinVar aggregate classification (germline): Uncertain significance (0 of 4 stars; one submission).

Conditions:
NCOA1-related disorder. Also called: NCOA1-related condition.

gnomAD v4.1: 59 of 1,613,848 alleles (0.0037%); highest among the groups gnomAD compares: Non-Finnish European, 0.0045%; no homozygotes.

Submission:

PreventionGenetics, part of Exact Sciences
Classification: Uncertain significance for NCOA1-related condition. Last evaluated: 2024-09-07. Review status: no assertion criteria provided. Collection method: clinical testing. Allele origin: germline.
Comment: The NCOA1 c.28G>A variant is predicted to result in the amino acid substitution p.Asp10Asn. To our knowledge, this variant has not been reported in the literature. This variant is reported in 0.011% of alleles in individuals of East Asian descent in gnomAD. At this time, the clinical significance of this variant is uncertain due to the absence of conclusive functional and genetic evidence.